The following is an entry in ClinVar:

ClinVar aggregate classification (germline): Uncertain significance (1 of 4 stars; one submission).

Conditions:
Cardiovascular phenotype. Identifiers: MedGen CN230736.

Submission:

Ambry Genetics
Classification: Uncertain significance for Cardiovascular phenotype. Last evaluated: 2026-09-11. Review status: criteria provided, single submitter. Criteria: Ambry Variant Classification Scheme 2023. Collection method: clinical testing. Allele origin: germline.
Comment: The p.F4337V variant (also known as c.13009T>G), located in coding exon 29 of the APOB gene, results from a T to G substitution at nucleotide position 13009. The phenylalanine at codon 4337 is replaced by valine, an amino acid with highly similar properties. This amino acid position is conserved. In addition, this alteration is predicted to be tolerated by in silico analysis. Based on the available evidence, the clinical significance of this variant remains unclear.

NM_000384.3(APOB):c.13009T>G (p.Phe4337Val)

Gene: APOB (apolipoprotein B; minus strand). Cytogenetic location: 2p24.1.
Variant type: single nucleotide variant.
Coding change: c.13009T>G on transcript NM_000384.3 (MANE Select); coding-DNA position 13009, T replaced by G.
Protein change: p.Phe4337Val; replaces phenylalanine 4337 with valine.
Molecular consequence: missense variant.
Genome position (GRCh38, 1-based): chr2:21,002,413, A>C on the plus strand (T>G on the coding strand, the complement: APOB is on the minus strand). VCF-style: chr2-21002413-A-C. GRCh37 (hg19) VCF-style: chr2-21225285-A-C.
Other names: short protein forms F4337V.
Identifiers: ClinVar variation 3308281 (VCV003308281.2).